The following is an entry in ClinVar:

ClinVar aggregate classification (germline): Likely pathogenic (1 of 4 stars; one submission).

Conditions:
Isovaleryl-CoA dehydrogenase deficiency (IVA). Also called: Classic Isovaleric Acidemia; ISOVALERIC ACID CoA DEHYDROGENASE DEFICIENCY; Isovaleric acidemia; IVD DEFICIENCY. Identifiers: Orphanet 33, MedGen C0268575, MONDO:0009475, OMIM 243500.

Submission:

Labcorp Genetics (formerly Invitae), Labcorp
Classification: Likely pathogenic for Isovaleryl-CoA dehydrogenase deficiency. Last evaluated: 2023-06-23. Review status: criteria provided, single submitter. Criteria: Invitae Variant Classification Sherloc (09022015). Collection method: clinical testing. Allele origin: germline.
Comment: Disruption of this splice site has been observed in individual(s) with isovaleric acidemia (PMID: 31442447). This variant is not present in population databases (gnomAD no frequency). This sequence change affects an acceptor splice site in intron 4 of the IVD gene. It is expected to disrupt RNA splicing. Variants that disrupt the donor or acceptor splice site typically lead to a loss of protein function (PMID: 16199547), and loss-of-function variants in IVD are known to be pathogenic (PMID: 16602101). In summary, the currently available evidence indicates that the variant is pathogenic, but additional data are needed to prove that conclusively. Therefore, this variant has been classified as Likely Pathogenic. Algorithms developed to predict the effect of sequence changes on RNA splicing suggest that this variant may disrupt the consensus splice site.

Literature cited by the submitters: PubMed 31442447; PubMed 16199547; PubMed 16602101.

NM_002225.5(IVD):c.457-1G>A

Gene: IVD (isovaleryl-CoA dehydrogenase; plus strand). Cytogenetic location: 15q15.1.
Variant type: single nucleotide variant.
Coding change: c.457-1G>A on transcript NM_002225.5 (MANE Select); the canonical splice acceptor site of the intron before coding-DNA position 457, G replaced by A.
Molecular consequence: splice acceptor variant.
Genome position (GRCh38, 1-based): chr15:40,411,259, G>A. VCF-style: chr15-40411259-G-A. GRCh37 (hg19) VCF-style: chr15-40703458-G-A.
Other names: c.544-1G>A (NM_001354600.3, NM_001354599.3); c.457-1G>A (NM_001354598.3, NM_001354601.3); c.409-1G>A (NM_001354597.3); c.367-1G>A (NM_001159508.3).
Identifiers: ClinVar variation 3021038 (VCV003021038.3), dbSNP rs760307260, ClinGen allele CA391716914.